The following is an entry in ClinVar:

ClinVar aggregate classification (germline): Uncertain significance. Review status: criteria provided, single submitter (1 of 4 stars). 2 submissions from 2 submitters: Uncertain significance (1). 1 of the submissions does not count toward it. Last evaluated 2024-04-10.

Conditions:
BBS4-related disorder. Also called: BBS4-related condition.
Bardet-Biedl syndrome 4 (BBS4). Identifiers: Orphanet 110, MedGen C2936864, MONDO:0014433, OMIM 615982.

gnomAD v4.1: 7 of 1,613,930 alleles (0.00043%); highest among the groups gnomAD compares: Non-Finnish European, 0.00051%; no homozygotes.

Submissions (2):

Fulgent Genetics
Classification: Uncertain significance for Bardet-Biedl syndrome 4. Last evaluated: 2024-04-10. Review status: criteria provided, single submitter. Criteria: ACMG Guidelines, 2015. Collection method: clinical testing. Allele origin: germline.

PreventionGenetics, part of Exact Sciences
Classification: Uncertain significance for BBS4-related condition. Last evaluated: 2024-03-11. Review status: no assertion criteria provided. Collection method: clinical testing. Allele origin: germline. Not counted in ClinVar's aggregate classification.
Comment: The BBS4 c.203A>G variant is predicted to result in the amino acid substitution p.Tyr68Cys. To our knowledge, this variant has not been reported in the literature. This variant is reported in 0.0018% of alleles in individuals of European (Non-Finnish) descent in gnomAD. At this time, the clinical significance of this variant is uncertain due to the absence of conclusive functional and genetic evidence.

NM_033028.5(BBS4):c.203A>G (p.Tyr68Cys)

Gene: BBS4 (Bardet-Biedl syndrome 4; plus strand). Cytogenetic location: 15q24.1.
Variant type: single nucleotide variant.
Coding change: c.203A>G on transcript NM_033028.5 (MANE Select); coding-DNA position 203, A replaced by G.
Protein change: p.Tyr68Cys; replaces tyrosine 68 with cysteine.
Molecular consequence: missense variant. On other transcripts: 5 prime UTR variant (1), non-coding transcript variant (2).
Genome position (GRCh38, 1-based): chr15:72,712,290, A>G. VCF-style: chr15-72712290-A-G. GRCh37 (hg19) VCF-style: chr15-73004631-A-G.
Other names: c.-319A>G (NM_001252678.2); c.203A>G, p.Tyr68Cys (NM_001320665.2); short protein forms Y68C.
Identifiers: ClinVar variation 3348272 (VCV003348272.2).